The following is an entry in ClinVar:

NM_000359.3(TGM1):c.1762G>A (p.Ala588Thr)

Gene: TGM1 (transglutaminase 1; minus strand). Cytogenetic location: 14q12.
Variant type: single nucleotide variant.
Coding change: c.1762G>A on transcript NM_000359.3 (MANE Select); coding-DNA position 1762, G replaced by A.
Protein change: p.Ala588Thr; replaces alanine 588 with threonine.
Molecular consequence: missense variant.
Genome position (GRCh38, 1-based): chr14:24,255,137, C>T on the plus strand (G>A on the coding strand, the complement: TGM1 is on the minus strand). VCF-style: chr14-24255137-C-T. GRCh37 (hg19) VCF-style: chr14-24724343-C-T.
Other names: short protein forms A588T.
Identifiers: ClinVar variation 312977 (VCV000312977.52), dbSNP rs146728175, ClinGen allele CA7130983.

ClinVar aggregate classification (germline): Conflicting classifications of pathogenicity. Review status: criteria provided, conflicting classifications (1 of 4 stars). 4 submissions from 4 submitters: Uncertain significance (3); Likely benign (1). Last evaluated 2026-01-19.

Conditions:
Inborn genetic diseases. Identifiers: MedGen C0950123, MeSH D030342.
Autosomal recessive congenital ichthyosis 1 (LI1). Also called: ICHTHYOSIS CONGENITA; ICHTHYOSIS CONGENITA II; LAMELLAR EXFOLIATION OF NEWBORN; COLLODION FETUS; DESQUAMATION OF NEWBORN; ICHTHYOSIS, CONGENITAL, AUTOSOMAL RECESSIVE 1, WITH BATHING SUIT DISTRIBUTION. Identifiers: MedGen C4551630, MONDO:0009441, OMIM 242300.

Allele frequency attached by ClinVar (database versions not stated): gnomAD exomes 0.00028 and 0.00036; TOPMed 0.00029; ESP Exome Variant Server 0.00031; ExAC 0.00037; gnomAD 0.00042 and 0.00043.

Submissions (4):

Labcorp Genetics (formerly Invitae), Labcorp
Classification: Likely benign. Last evaluated: 2026-01-19. Review status: criteria provided, single submitter. Criteria: Invitae Variant Classification Sherloc (09022015). Collection method: clinical testing. Allele origin: germline.

CeGaT Center for Human Genetics Tuebingen
Classification: Uncertain significance. Last evaluated: 2025-12-01. Review status: criteria provided, single submitter. Criteria: CeGaT Center For Human Genetics Tuebingen Variant Classification Criteria Version 2. Collection method: clinical testing. Allele origin: germline. Affected: yes. Observed: 2 variant alleles.
Comment: TGM1: PM2, BP4

Ambry Genetics
Classification: Uncertain significance for Inborn genetic diseases. Last evaluated: 2021-09-17. Review status: criteria provided, single submitter. Criteria: Ambry Variant Classification Scheme 2023. Collection method: clinical testing. Allele origin: germline.

Illumina Laboratory Services, Illumina
Classification: Uncertain significance for Autosomal recessive congenital ichthyosis 1. Last evaluated: 2018-01-13. Review status: criteria provided, single submitter. Criteria: ICSL Variant Classification Criteria 13 December 2019. Collection method: clinical testing. Allele origin: germline.